The following is an entry in ClinVar:

NM_007055.4(POLR3A):c.2344C>T (p.Leu782=)

Gene: POLR3A (RNA polymerase III subunit A; minus strand). Cytogenetic location: 10q22.3.
Variant type: single nucleotide variant.
Coding change: c.2344C>T on transcript NM_007055.4 (MANE Select); coding-DNA position 2344, C replaced by T.
Protein change: p.Leu782=; no amino-acid change (leucine 782 retained).
Molecular consequence: synonymous variant.
Genome position (GRCh38, 1-based): chr10:78,002,212, G>A on the plus strand (C>T on the coding strand, the complement: POLR3A is on the minus strand). VCF-style: chr10-78002212-G-A. GRCh37 (hg19) VCF-style: chr10-79761970-G-A.
Identifiers: ClinVar variation 745649 (VCV000745649.9), dbSNP rs137961403, ClinGen allele CA5571155.

ClinVar aggregate classification (germline): Likely benign. Review status: criteria provided, multiple submitters, no conflicts (2 of 4 stars). 2 submissions from 2 submitters: Likely benign (2). Last evaluated 2026-07-01.

Allele frequency attached by ClinVar (database versions not stated): gnomAD exomes 0.00009 and 0.00012; ExAC 0.00012; ESP Exome Variant Server 0.00015; gnomAD 0.00015 and 0.00016; TOPMed 0.00015.
gnomAD v4.1: 196 of 1,589,852 alleles (0.012%); highest among the groups gnomAD compares: Middle Eastern, 0.033%; no homozygotes.

Submissions (2):

CeGaT Center for Human Genetics Tuebingen
Classification: Likely benign. Last evaluated: 2026-07-01. Review status: criteria provided, single submitter. Criteria: CeGaT Center For Human Genetics Tuebingen Variant Classification Criteria Version 2. Collection method: clinical testing. Allele origin: germline. Affected: yes. Observed: 1 variant allele.
Comment: POLR3A: BP4, BP7

Labcorp Genetics (formerly Invitae), Labcorp
Classification: Likely benign. Last evaluated: 2026-01-06. Review status: criteria provided, single submitter. Criteria: Invitae Variant Classification Sherloc (09022015). Collection method: clinical testing. Allele origin: germline.